The following is an entry in ClinVar:

NM_001005361.3(DNM2):c.1893+18G>A

Gene: DNM2 (dynamin 2; plus strand). Cytogenetic location: 19p13.2.
Variant type: single nucleotide variant.
Coding change: c.1893+18G>A on transcript NM_001005361.3 (MANE Select); 18 bases into the intron after coding-DNA position 1893, G replaced by A.
Molecular consequence: intron variant.
Genome position (GRCh38, 1-based): chr19:10,823,917, G>A. VCF-style: chr19-10823917-G-A. GRCh37 (hg19) VCF-style: chr19-10934593-G-A.
Other names: c.1893+18G>A (NM_001005360.3, NM_001190716.2); c.1881+18G>A (NM_004945.4, NM_001005362.3).
Identifiers: ClinVar variation 668338 (VCV000668338.8), dbSNP rs368748557, ClinGen allele CA9201430.

ClinVar aggregate classification (germline): Likely benign. Review status: criteria provided, multiple submitters, no conflicts (2 of 4 stars). 2 submissions from 2 submitters: Likely benign (2). Last evaluated 2026-01-11.

Conditions:
Charcot-Marie-Tooth disease dominant intermediate B (CMTDIB). Also called: Charcot-Marie-Tooth disease dominant intermediate 1; CMT DI1; Charcot-Marie-Tooth disease dominant intermediate I; CHARCOT-MARIE-TOOTH NEUROPATHY, DOMINANT INTERMEDIATE B. Identifiers: Orphanet 100044, Orphanet 228179, MedGen C1847902, MONDO:0011674, OMIM 606482.

Allele frequency attached by ClinVar (database versions not stated): gnomAD exomes 0.00005 and 0.00006; ExAC 0.00006; ESP Exome Variant Server 0.00015; TOPMed 0.00018; gnomAD 0.00020 and 0.00022.
gnomAD v4.1: 118 of 1,610,538 alleles (0.0073%); highest among the groups gnomAD compares: Middle Eastern, 0.082%; no homozygotes.

Submissions (2):

Labcorp Genetics (formerly Invitae), Labcorp
Classification: Likely benign for Charcot-Marie-Tooth disease dominant intermediate B. Last evaluated: 2026-01-11. Review status: criteria provided, single submitter. Criteria: Invitae Variant Classification Sherloc (09022015). Collection method: clinical testing. Allele origin: germline.

GeneDx
Classification: Likely benign. Last evaluated: 2018-05-21. Review status: criteria provided, single submitter. Criteria: GeneDx Variant Classification (06012015). Collection method: clinical testing. Allele origin: germline. Affected: yes.
Comment: This variant is considered likely benign or benign based on one or more of the following criteria: it is a conservative change, it occurs at a poorly conserved position in the protein, it is predicted to be benign by multiple in silico algorithms, and/or has population frequency not consistent with disease.